The following is an entry in ClinVar:

NM_000505.4(F12):c.1560G>A (p.Gln520=)

Gene: F12 (coagulation factor XII; minus strand). Cytogenetic location: 5q35.3.
Variant type: single nucleotide variant.
Coding change: c.1560G>A on transcript NM_000505.4 (MANE Select); coding-DNA position 1560, G replaced by A.
Protein change: p.Gln520=; no amino-acid change (glutamine 520 retained).
Molecular consequence: synonymous variant.
Genome position (GRCh38, 1-based): chr5:177,402,670, C>T on the plus strand (G>A on the coding strand, the complement: F12 is on the minus strand). VCF-style: chr5-177402670-C-T. GRCh37 (hg19) VCF-style: chr5-176829671-C-T.
Identifiers: ClinVar variation 2656117 (VCV002656117.24), dbSNP rs759021533, ClinGen allele CA3581130.

ClinVar aggregate classification (germline): Likely benign (1 of 4 stars; one submission).

Allele frequency attached by ClinVar (database versions not stated): TOPMed 0.00001; gnomAD exomes 0.00002; ExAC 0.00004.
gnomAD v4.1: 23 of 1,612,332 alleles (0.0014%); highest among the groups gnomAD compares: Middle Eastern, 0.038%; no homozygotes.

Submission:

CeGaT Center for Human Genetics Tuebingen
Classification: Likely benign. Last evaluated: 2023-05-01. Review status: criteria provided, single submitter. Criteria: CeGaT Center For Human Genetics Tuebingen Variant Classification Criteria Version 2. Collection method: clinical testing. Allele origin: germline. Affected: yes. Observed: 1 variant allele.
Comment: F12: BP4, BP7